The following is an entry in ClinVar:

ClinVar aggregate classification (germline): Benign (1 of 4 stars; one submission).

Conditions:
Breast-ovarian cancer, familial, susceptibility to, 3. Also called: RAD51C-Related Breast/Ovarian Cancer. Identifiers: Orphanet 145, MedGen C3150659, MONDO:0013253, OMIM 613399.

Submission:

Myriad Genetics, Inc.
Classification: Benign for Breast-ovarian cancer, familial, susceptibility to, 3. Last evaluated: 2025-02-18. Review status: criteria provided, single submitter. Criteria: Myriad Autosomal Dominant, Autosomal Recessive and X-Linked Classification Criteria (2023). Collection method: clinical testing. Allele origin: unknown.
Comment: This variant is considered benign. This variant is a silent/synonymous amino acid change and it is not expected to impact splicing.

NM_058216.3(RAD51C):c.412T>C (p.Leu138=)

Gene: RAD51C (RAD51 paralog C; plus strand). Cytogenetic location: 17q22.
Variant type: single nucleotide variant.
Coding change: c.412T>C on transcript NM_058216.3 (MANE Select); coding-DNA position 412, T replaced by C.
Protein change: p.Leu138=; no amino-acid change (leucine 138 retained).
Molecular consequence: synonymous variant.
Genome position (GRCh38, 1-based): chr17:58,696,700, T>C. VCF-style: chr17-58696700-T-C. GRCh37 (hg19) VCF-style: chr17-56774061-T-C.
Identifiers: ClinVar variation 3903939 (VCV003903939.1).